The following is an entry in ClinVar:

ClinVar aggregate classification (germline): Pathogenic (1 of 4 stars; one submission).

Conditions:
Dystonia 5 (DRD). Also called: DYSTONIA, PROGRESSIVE, WITH DIURNAL VARIATION; DYSTONIA-PARKINSONISM WITH DIURNAL FLUCTUATION; Dystonia, DOPA-responsive, with or without hyperphenylalaninemia; GTP Cyclohydrolase 1-Deficient Dopa-Responsive Dystonia; DYT-GCH1. Identifiers: Orphanet 98808, MedGen C1851920, MONDO:0007495, OMIM 128230.
GTP cyclohydrolase I deficiency. Identifiers: MedGen C0268467, MONDO:0100184.

Submission:

Labcorp Genetics (formerly Invitae), Labcorp
Classification: Pathogenic for GTP cyclohydrolase I deficiency; Dystonia 5. Last evaluated: 2019-07-22. Review status: criteria provided, single submitter. Criteria: Invitae Variant Classification Sherloc (09022015). Collection method: clinical testing. Allele origin: germline.
Comment: For these reasons, this variant has been classified as Pathogenic. Loss-of-function variants in GCH1 are known to be pathogenic (PMID: 19491146). This variant has not been reported in the literature in individuals with GCH1-related conditions. This variant is an out-of-frame deletion of the genomic region encompassing exons 2-3 of the GCH1 gene. This is expected to create a premature translational stop signal and result in an absent or disrupted protein product.

Literature cited by the submitters: PubMed 19491146.

NC_000014.9:g.(?_54859671)_(54865446_?)del

Gene: GCH1 (GTP cyclohydrolase 1; minus strand). Cytogenetic location: 14q22.2.
Variant type: Deletion.
Identifiers: ClinVar variation 832851 (VCV000832851.5).